The following is an entry in ClinVar:

ClinVar aggregate classification (germline): Uncertain significance (1 of 4 stars; one submission).

Conditions:
Ehlers-Danlos syndrome, classic type, 1 (EDSCL1). Also called: Ehlers-Danlos Syndrome, Classic Type, COL5A1-Related; EDS I; Ehlers-Danlos syndrome, type 1; EHLERS-DANLOS SYNDROME, GRAVIS TYPE; EHLERS-DANLOS SYNDROME, SEVERE CLASSIC TYPE. Identifiers: MedGen C0268335, MONDO:0019567, OMIM 130000.

Allele frequency attached by ClinVar (database versions not stated): gnomAD exomes 0.00001; TOPMed below 0.00001; ExAC 0.00002.
gnomAD v4.1: 8 of 1,612,204 alleles (0.0005%); highest among the groups gnomAD compares: East Asian, 0.0022%; no homozygotes.

Submission:

Labcorp Genetics (formerly Invitae), Labcorp
Classification: Uncertain significance for Ehlers-Danlos syndrome, classic type, 1. Last evaluated: 2024-07-05. Review status: criteria provided, single submitter. Criteria: Invitae Variant Classification Sherloc (09022015). Collection method: clinical testing. Allele origin: germline.
Comment: This sequence change replaces arginine, which is basic and polar, with tryptophan, which is neutral and slightly polar, at codon 572 of the COL5A2 protein (p.Arg572Trp). This variant is present in population databases (rs768322852, gnomAD 0.006%). This variant has not been reported in the literature in individuals affected with COL5A2-related conditions. ClinVar contains an entry for this variant (Variation ID: 529244). An algorithm developed to predict the effect of missense changes on protein structure and function (PolyPhen-2) suggests that this variant is likely to be disruptive. In summary, the available evidence is currently insufficient to determine the role of this variant in disease. Therefore, it has been classified as a Variant of Uncertain Significance.

NM_000393.5(COL5A2):c.1714C>T (p.Arg572Trp)

Gene: COL5A2 (collagen type V alpha 2 chain; minus strand). Cytogenetic location: 2q32.2.
Variant type: single nucleotide variant.
Coding change: c.1714C>T on transcript NM_000393.5 (MANE Select); coding-DNA position 1714, C replaced by T.
Protein change: p.Arg572Trp; replaces arginine 572 with tryptophan.
Molecular consequence: missense variant.
Genome position (GRCh38, 1-based): chr2:189,064,559, G>A on the plus strand (C>T on the coding strand, the complement: COL5A2 is on the minus strand). VCF-style: chr2-189064559-G-A. GRCh37 (hg19) VCF-style: chr2-189929285-G-A.
Other names: short protein forms R572W.
Identifiers: ClinVar variation 529244 (VCV000529244.9), dbSNP rs768322852, ClinGen allele CA2022615.
Genomic context (GRCh38, chr2:189,064,559, plus strand): 5'-ATGCATGCTCAGGAGCACTTCTCCCCTTTGATGTAGCAAACACTTGCTATATTCTTACCC[G>A]AGCACCTGGAAGCCCAGGTTCCCCTGGACGTCCTGGATCCCCCTGGCTTCCTTTGGGTCC-3'
Protein context (NP_000384.2, residues 562-582): RPGEPGLPGA[Arg572Trp]GLTGNPGVQG